The following is an entry in ClinVar:

NM_017739.4(POMGNT1):c.1017CTA[1] (p.Tyr341del)

Genes: POMGNT1 (protein O-linked mannose N-acetylglucosaminyltransferase 1 (beta 1,2-); minus strand), TSPAN1 (tetraspanin 1; plus strand). Cytogenetic location: 1p34.1.
Variant type: Microsatellite.
Coding change: c.1017CTA[1] on transcript NM_017739.4 (MANE Select); one copy of the 3-base unit CTA starting at c.1017; the reference has two copies in a row; one copy, 3 bases deleted.
Protein change: p.Tyr341del; deletes tyrosine 341.
Molecular consequence: inframe deletion. On other transcripts: inframe indel (1).
Genome position (GRCh38, 1-based): chr1:46,193,568-46,193,570, TAG deleted on the plus strand (CTA on the coding strand, the reverse complement: POMGNT1 is on the minus strand); deleting any 3 consecutive bases within chr1:46,193,568-46,193,573 gives the same sequence; the position shown is the placement nearest the transcript's 3' end. VCF-style (leftmost placement, unchanged base first): chr1-46193567-ATAG-A. GRCh37 (hg19) VCF-style: chr1-46659239-ATAG-A.
Other names: c.1017CTA[1], p.Tyr341del (NM_001243766.2, NM_001410783.1); c.951_953CTA[1], p.Tyr319del (NM_001290129.3); c.588CTA[1], p.Tyr198del (NM_001290130.2); short protein forms Y198del, Y319del, Y341del.
Identifiers: ClinVar variation 1297101 (VCV001297101.3), dbSNP rs2148194204, ClinGen allele CA916079785.

ClinVar aggregate classification (germline): Uncertain significance. Review status: criteria provided, multiple submitters, no conflicts (2 of 4 stars). 2 submissions from 2 submitters: Uncertain significance (2). Last evaluated 2022-02-07.

Conditions:
Retinitis pigmentosa (RP). Identifiers: Orphanet 791, MedGen C0035334, MeSH D012174, MONDO:0019200, OMIM 268000. Inheritance: Autosomal dominant, autosomal recessive and X linked inheritance.
Autosomal recessive limb-girdle muscular dystrophy type 2O. Also called: MUSCULAR DYSTROPHY-DYSTROGLYCANOPATHY (LIMB-GIRDLE), TYPE C, 3; MUSCULAR DYSTROPHY-DYSTROGLYCANOPATHY, LIMB-GIRDLE, POMGNT1-RELATED; Limb-Girdle Muscular Dystrophy Type 3C. Identifiers: Orphanet 206564, MedGen C3150417, MONDO:0013161, OMIM 613157.
Muscular dystrophy-dystroglycanopathy (congenital with impaired intellectual development), type B, 3. Also called: MUSCULAR DYSTROPHY, CONGENITAL, POMGNT1-RELATED; Muscular dystrophy-dystroglycanopathy (congenital with intellectual disability), type B3. Identifiers: MedGen C3150412, MONDO:0013155, OMIM 613151.

Submissions (2):

Labcorp Genetics (formerly Invitae), Labcorp
Classification: Uncertain significance for Autosomal recessive limb-girdle muscular dystrophy type 2O; Muscular dystrophy-dystroglycanopathy (congenital with impaired intellectual development), type B, 3. Last evaluated: 2022-02-07. Review status: criteria provided, single submitter. Criteria: Invitae Variant Classification Sherloc (09022015). Collection method: clinical testing. Allele origin: germline.
Comment: This variant, c.1020_1022del, results in the deletion of 1 amino acid(s) of the POMGNT1 protein (p.Tyr341del), but otherwise preserves the integrity of the reading frame. This variant is not present in population databases (gnomAD no frequency). This variant has not been reported in the literature in individuals affected with POMGNT1-related conditions. Experimental studies and prediction algorithms are not available or were not evaluated, and the functional significance of this variant is currently unknown. In summary, the available evidence is currently insufficient to determine the role of this variant in disease. Therefore, it has been classified as a Variant of Uncertain Significance.

Broad Center for Mendelian Genomics, Broad Institute of MIT and Harvard
Classification: Uncertain significance for Retinitis pigmentosa. Last evaluated: 2021-04-01. Review status: criteria provided, single submitter. Criteria: ACMG Guidelines, 2015. Collection method: curation. Allele origin: germline. Inheritance: Autosomal recessive inheritance. Affected: yes.
Comment: Through a review of available evidence we were able to apply the following criteria: PM2, PM4. Based on this evidence we have classified this variant as a Variant of Uncertain Significance. If you have any questions about the classification please reach out to the Pierce Lab.

Literature cited by the submitters: PubMed 34906470 (cited by Broad Center for Mendelian Genomics, Broad Institute of MIT and Harvard).